The following is an entry in ClinVar:

NM_017777.4(MKS1):c.1671G>T (p.Leu557=)

Gene: MKS1 (MKS transition zone complex subunit 1; minus strand). Cytogenetic location: 17q22.
Variant type: single nucleotide variant.
Coding change: c.1671G>T on transcript NM_017777.4 (MANE Select); coding-DNA position 1671, G replaced by T.
Protein change: p.Leu557=; no amino-acid change (leucine 557 retained).
Molecular consequence: synonymous variant. On other transcripts: missense variant (1), 3 prime UTR variant (1).
Genome position (GRCh38, 1-based): chr17:58,206,088, C>A on the plus strand (G>T on the coding strand, the complement: MKS1 is on the minus strand). VCF-style: chr17-58206088-C-A. GRCh37 (hg19) VCF-style: chr17-56283449-C-A.
Other names: c.1062G>T, p.Leu354= (NM_001321268.2); c.1588G>T, p.Gly530Cys (NM_001321269.2); c.*83G>T (NM_001330397.2); c.1588G>T (NM_001321269.1); short protein forms G530C.
Identifiers: ClinVar variation 500044 (VCV000500044.15), dbSNP rs11548967, ClinGen allele CA501324106.
Genomic context (GRCh38, chr17:58,206,088, plus strand): 5'-CAGATATCCCCCATCTTGTCCTCTTGCACTGTGGGCCAGGGCTGCTGTGAGCTAGGAGAC[C>A]AGGGTTCCAGAGGGGCTCACTAGGTCCTGCGGGAGGCTTTCCCGGGCCTCCTGCATGCGG-3'
Protein context (NP_060247.2, residues 547-559): PQDLVSPSGT[Leu557=]VS

ClinVar aggregate classification (germline): Conflicting classifications of pathogenicity. Review status: criteria provided, conflicting classifications (1 of 4 stars). 3 submissions from 3 submitters: Uncertain significance (2); Likely benign (1). Last evaluated 2025-11-22.

Conditions:
MKS1-related disorder. Also called: MKS1-related disorders; MKS1-related condition. Identifiers: MedGen CN239382.
Meckel-Gruber syndrome. Also called: DYSENCEPHALIA SPLANCHNOCYSTICA; GRUBER SYNDROME; Dysencephalia splachnocystica. Identifiers: Orphanet 564, MedGen C0265215, MONDO:0018921.
Joubert syndrome. Also called: JOUBERT-BOLTSHAUSER SYNDROME; Familial aplasia of the vermis. Identifiers: Orphanet 475, MedGen C5979921, MONDO:0018772.

gnomAD v4.1: 3 of 1,611,308 alleles (0.00019%); highest among the groups gnomAD compares: Admixed American, 0.005%; no homozygotes.

Submissions (3):

Labcorp Genetics (formerly Invitae), Labcorp
Classification: Likely benign for Joubert syndrome; Meckel-Gruber syndrome. Last evaluated: 2025-11-22. Review status: criteria provided, single submitter. Criteria: Invitae Variant Classification Sherloc (09022015). Collection method: clinical testing. Allele origin: germline.

PreventionGenetics, part of Exact Sciences
Classification: Uncertain significance for MKS1-related condition. Last evaluated: 2024-11-19. Review status: criteria provided, single submitter. Criteria: ACMG Guidelines, 2015. Collection method: clinical testing. Allele origin: germline.
Comment: The MKS1 c.1588G>T variant is predicted to result in the amino acid substitution p.Gly530Cys. To our knowledge, this variant has not been reported in the literature. This variant is reported in 0.0029% of alleles in individuals of Latino descent in gnomAD. At this time, the clinical significance of this variant is uncertain due to the absence of conclusive functional and genetic evidence.

Eurofins Ntd Llc (ga)
Classification: Uncertain significance. Last evaluated: 2017-01-20. Review status: criteria provided, single submitter. Criteria: EGL Classification Definitions 2015. Collection method: clinical testing. Allele origin: germline. Observed: 1 variant allele, 1 heterozygote.